The following is an entry in ClinVar:

ClinVar aggregate classification (germline): Uncertain significance. Review status: criteria provided, multiple submitters, no conflicts (2 of 4 stars). 2 submissions from 2 submitters: Uncertain significance (2). Last evaluated 2025-07-09.

Conditions:
Dyskeratosis congenita, autosomal dominant 2. Identifiers: MedGen C3151443, MONDO:0013521, OMIM 613989.
Idiopathic Pulmonary Fibrosis. Also called: Idiopathic fibrosing alveolitis, chronic form; idiopathic fibrosing alveolitis. Identifiers: Orphanet 2032, MedGen C1800706, MeSH D054990, MONDO:0800504.

Submissions (2):

Mayo Clinic Laboratories, Mayo Clinic
Classification: Uncertain significance. Last evaluated: 2025-07-09. Review status: criteria provided, single submitter. Criteria: ACMG Guidelines, 2015. Collection method: clinical testing. Allele origin: germline. Observed: 1 variant allele.
Comment: PP2, PM2_supporting

Labcorp Genetics (formerly Invitae), Labcorp
Classification: Uncertain significance for Dyskeratosis congenita, autosomal dominant 2; Idiopathic Pulmonary Fibrosis. Last evaluated: 2020-12-02. Review status: criteria provided, single submitter. Criteria: Invitae Variant Classification Sherloc (09022015). Collection method: clinical testing. Allele origin: germline.
Comment: In summary, the available evidence is currently insufficient to determine the role of this variant in disease. Therefore, it has been classified as a Variant of Uncertain Significance. Advanced modeling of protein sequence and biophysical properties (such as structural, functional, and spatial information, amino acid conservation, physicochemical variation, residue mobility, and thermodynamic stability) performed at Invitae indicates that this missense variant is expected to disrupt TERT protein function. This variant has not been reported in the literature in individuals with TERT-related conditions. This variant is not present in population databases (ExAC no frequency). This sequence change replaces arginine with methionine at codon 787 of the TERT protein (p.Arg787Met). The arginine residue is moderately conserved and there is a moderate physicochemical difference between arginine and methionine.

NM_198253.3(TERT):c.2360G>T (p.Arg787Met)

Gene: TERT (telomerase reverse transcriptase; minus strand). Cytogenetic location: 5p15.33.
Variant type: single nucleotide variant.
Coding change: c.2360G>T on transcript NM_198253.3 (MANE Select); coding-DNA position 2360, G replaced by T.
Protein change: p.Arg787Met; replaces arginine 787 with methionine.
Molecular consequence: missense variant.
Genome position (GRCh38, 1-based): chr5:1,272,207, C>A on the plus strand (G>T on the coding strand, the complement: TERT is on the minus strand). VCF-style: chr5-1272207-C-A. GRCh37 (hg19) VCF-style: chr5-1272322-C-A.
Other names: p.Arg787Met; c.2360G>T, p.Arg787Met (NM_001193376.3); short protein forms R787M.
Identifiers: ClinVar variation 1352640 (VCV001352640.9), dbSNP rs1202226678, ClinGen allele CA359076260.